The following is an entry in ClinVar:

ClinVar aggregate classification (germline): Uncertain significance (1 of 4 stars; one submission).

Submission:

GeneDx
Classification: Uncertain significance. Last evaluated: 2022-12-02. Review status: criteria provided, single submitter. Criteria: GeneDx Variant Classification Process June 2021. Collection method: clinical testing. Allele origin: germline. Affected: yes.
Comment: Not observed at significant frequency in large population cohorts (gnomAD); In silico analysis supports that this missense variant does not alter protein structure/function; Has not been previously published as pathogenic or benign to our knowledge

NM_001378120.1(MBD5):c.1172T>G (p.Met391Arg)

Gene: MBD5 (methyl-CpG binding domain protein 5; plus strand). Cytogenetic location: 2q23.1.
Variant type: single nucleotide variant.
Coding change: c.1172T>G on transcript NM_001378120.1 (MANE Select); coding-DNA position 1172, T replaced by G.
Protein change: p.Met391Arg; replaces methionine 391 with arginine.
Molecular consequence: missense variant.
Genome position (GRCh38, 1-based): chr2:148,469,115, T>G. VCF-style: chr2-148469115-T-G. GRCh37 (hg19) VCF-style: chr2-149226684-T-G.
Other names: c.1172T>G, p.Met391Arg (NM_018328.5); short protein forms M391R.
Identifiers: ClinVar variation 2504893 (VCV002504893.1), dbSNP rs2469862111, ClinGen allele CA348718560.
Genomic context (GRCh38, chr2:148,469,115, plus strand): 5'-AGAACCCTGTTATCATTAATCCAACCAGTTTCCATTCAAATGTCCACTCTCAGGTACCTA[T>G]GATGAATGTAAGCATGCCTCCTGCTGTTGTTCCTTTGCCAAGTAATCTCCCATTGCCAAC-3'
Protein context (NP_001365049.1, residues 381-401): FHSNVHSQVP[Met391Arg]MNVSMPPAVV